The following is an entry in ClinVar:

ClinVar aggregate classification (germline): Uncertain significance. Review status: criteria provided, multiple submitters, no conflicts (2 of 4 stars). 2 submissions from 2 submitters: Uncertain significance (2). Last evaluated 2025-11-25.

Conditions:
Inborn genetic diseases. Identifiers: MedGen C0950123, MeSH D030342.

Allele frequency attached by ClinVar (database versions not stated): gnomAD exomes below 0.00001.
gnomAD v4.1: 4 of 1,614,116 alleles (0.00025%); highest among the groups gnomAD compares: Non-Finnish European, 0.00034%; no homozygotes.

Submissions (2):

Ambry Genetics
Classification: Uncertain significance for Inborn genetic diseases. Last evaluated: 2025-11-25. Review status: criteria provided, single submitter. Criteria: Ambry Variant Classification Scheme 2023. Collection method: clinical testing. Allele origin: germline.

Labcorp Genetics (formerly Invitae), Labcorp
Classification: Uncertain significance. Last evaluated: 2023-11-06. Review status: criteria provided, single submitter. Criteria: Invitae Variant Classification Sherloc (09022015). Collection method: clinical testing. Allele origin: germline.
Comment: This sequence change replaces threonine, which is neutral and polar, with methionine, which is neutral and non-polar, at codon 405 of the KLHL7 protein (p.Thr405Met). This variant is not present in population databases (gnomAD no frequency). This variant has not been reported in the literature in individuals affected with KLHL7-related conditions. ClinVar contains an entry for this variant (Variation ID: 1353189). An algorithm developed to predict the effect of missense changes on protein structure and function (PolyPhen-2) suggests that this variant is likely to be disruptive. In summary, the available evidence is currently insufficient to determine the role of this variant in disease. Therefore, it has been classified as a Variant of Uncertain Significance.

NM_001031710.3(KLHL7):c.1214C>T (p.Thr405Met)

Gene: KLHL7 (kelch like family member 7; plus strand). Cytogenetic location: 7p15.3.
Variant type: single nucleotide variant.
Coding change: c.1214C>T on transcript NM_001031710.3 (MANE Select); coding-DNA position 1214, C replaced by T.
Protein change: p.Thr405Met; replaces threonine 405 with methionine.
Molecular consequence: missense variant. On other transcripts: non-coding transcript variant (1).
Genome position (GRCh38, 1-based): chr7:23,167,872, C>T. VCF-style: chr7-23167872-C-T. GRCh37 (hg19) VCF-style: chr7-23207491-C-T.
Other names: c.1070C>T, p.Thr357Met (NM_018846.5); c.1214C>T (NM_001031710.2); short protein forms T405M, T357M.
Identifiers: ClinVar variation 1353189 (VCV001353189.7), dbSNP rs1785048731, ClinGen allele CA366981734.